The following is an entry in ClinVar:

NM_032638.5(GATA2):c.1095C>G (p.Asn365Lys)

Gene: GATA2 (GATA binding protein 2; minus strand). Cytogenetic location: 3q21.3.
Variant type: single nucleotide variant.
Coding change: c.1095C>G on transcript NM_032638.5 (MANE Select); coding-DNA position 1095, C replaced by G.
Protein change: p.Asn365Lys; replaces asparagine 365 with lysine.
Molecular consequence: missense variant.
Genome position (GRCh38, 1-based): chr3:128,481,867, G>C on the plus strand (C>G on the coding strand, the complement: GATA2 is on the minus strand). VCF-style: chr3-128481867-G-C. GRCh37 (hg19) VCF-style: chr3-128200710-G-C.
Other names: c.1095C>G, p.Asn365Lys (NM_001145661.2); c.1053C>G, p.Asn351Lys (NM_001145662.1); short protein forms N365K, N351K.
Identifiers: ClinVar variation 2929019 (VCV002929019.4), dbSNP rs146814201, ClinGen allele CA354413553.

ClinVar aggregate classification (germline): Uncertain significance. Review status: criteria provided, multiple submitters, no conflicts (2 of 4 stars). 2 submissions from 2 submitters: Uncertain significance (2). Last evaluated 2026-03-11.

Conditions:
Inborn genetic diseases. Identifiers: MedGen C0950123, MeSH D030342.
Monocytopenia with susceptibility to infections. Also called: GATA2 DEFICIENCY; MONOCYTOPENIA AND MYCOBACTERIAL INFECTION SYNDROME; MONOCYTOPENIA WITH SUSCEPTIBILITY TO MYCOBACTERIAL, FUNGAL, AND PAPILLOMAVIRUS INFECTIONS AND MYELODYSPLASIA; COMBINED IMMUNODEFICIENCY WITH SUSCEPTIBILITY TO MYCOBACTERIAL, VIRAL, AND FUNGAL INFECTIONS; Dendritic cell, monocyte, B lymphocyte, and natural killer lymphocyte deficiency; IMMUNODEFICIENCY 21. Identifiers: Orphanet 228423, MedGen C3280030, MONDO:0013607, OMIM 614172.
Deafness-lymphedema-leukemia syndrome. Also called: Lymphedema, primary, with myelodysplasia; Emberger syndrome. Identifiers: Orphanet 3226, MedGen C3279664, MONDO:0013540, OMIM 614038.

gnomAD v4.1: 1 of 1,614,100 alleles (0.000062%); highest among the groups gnomAD compares: Non-Finnish European, 0.000085%; no homozygotes.

Submissions (2):

Ambry Genetics
Classification: Uncertain significance for Inborn genetic diseases. Last evaluated: 2026-03-11. Review status: criteria provided, single submitter. Criteria: Ambry Variant Classification Scheme 2023. Collection method: clinical testing. Allele origin: germline.
Comment: The p.N365K variant (also known as c.1095C>G), located in coding exon 4 of the GATA2 gene, results from a C to G substitution at nucleotide position 1095. The asparagine at codon 365 is replaced by lysine, an amino acid with similar properties. This amino acid position is conserved. In addition, the in silico prediction for this alteration is inconclusive. Based on the available evidence, the clinical significance of this variant remains unclear.

Labcorp Genetics (formerly Invitae), Labcorp
Classification: Uncertain significance for Monocytopenia with susceptibility to infections; Deafness-lymphedema-leukemia syndrome. Last evaluated: 2023-09-21. Review status: criteria provided, single submitter. Criteria: Invitae Variant Classification Sherloc (09022015). Collection method: clinical testing. Allele origin: germline.
Comment: In summary, the available evidence is currently insufficient to determine the role of this variant in disease. Therefore, it has been classified as a Variant of Uncertain Significance. Advanced modeling of protein sequence and biophysical properties (such as structural, functional, and spatial information, amino acid conservation, physicochemical variation, residue mobility, and thermodynamic stability) has been performed at Invitae for this missense variant, however the output from this modeling did not meet the statistical confidence thresholds required to predict the impact of this variant on GATA2 protein function. This variant has not been reported in the literature in individuals affected with GATA2-related conditions. This variant is not present in population databases (gnomAD no frequency). This sequence change replaces asparagine, which is neutral and polar, with lysine, which is basic and polar, at codon 365 of the GATA2 protein (p.Asn365Lys).